The following is an entry in ClinVar:

NM_000038.6(APC):c.423-1515A>G

Gene: APC (APC regulator of WNT signaling pathway; plus strand). Cytogenetic location: 5q22.2.
Variant type: single nucleotide variant.
Coding change: c.423-1515A>G on transcript NM_000038.6 (MANE Select); 1515 bases into the intron before coding-DNA position 423, A replaced by G.
Molecular consequence: intron variant.
Genome position (GRCh38, 1-based): chr5:112,774,114, A>G. VCF-style: chr5-112774114-A-G. GRCh37 (hg19) VCF-style: chr5-112109811-A-G.
Other names: c.423-1515A>G (NM_001354895.2, NM_001127510.3, NM_001354896.2 and 2 more transcripts); c.453-1515A>G (NM_001354897.2, NM_001354902.2, NM_001127511.3); c.348-1515A>G (NM_001354898.2, NM_001354904.2); c.-613-1515A>G (NM_001354906.2); c.246-1515A>G (NM_001354900.2, NM_001354901.2, NM_001354905.2).
Identifiers: ClinVar variation 82902 (VCV000082902.2), dbSNP rs76748553, ClinGen allele CA009167.
Genomic context (GRCh38, chr5:112,774,114, plus strand): 5'-GAGTGTATATGTATTAAATGAGGTATAGGTATAAGGCTATTCAATGCAGCATTGTTTATA[A>G]TAACAAAAGATTAGAAAAGCCTTAAGTACCCTCCAACTAAGAGTTGGTTGTAGTGTATCC-3'

ClinVar aggregate classification (germline): other (0 of 4 stars; one submission).

Conditions:
Familial colorectal cancer. Identifiers: MedGen CN280943, MONDO:0023113. Disease mechanism: loss of function.

Allele frequency attached by ClinVar (database versions not stated): TOPMed below 0.00001.

Submission:

Systems Biology Platform Zhejiang California International NanoSystems Institute
Classification: other for Familial colorectal cancer. Review status: no assertion criteria provided. Collection method: not provided. Allele origin: unknown.
ClinVar note: Converted during submission from cancer to other.